The following is an entry in ClinVar:

NM_004523.4(KIF11):c.1495-5T>C

Gene: KIF11 (kinesin family member 11; plus strand). Cytogenetic location: 10q23.33.
Variant type: single nucleotide variant.
Coding change: c.1495-5T>C on transcript NM_004523.4 (MANE Select); 5 bases into the intron before coding-DNA position 1495, T replaced by C.
Molecular consequence: intron variant.
Genome position (GRCh38, 1-based): chr10:92,632,481, T>C. VCF-style: chr10-92632481-T-C. GRCh37 (hg19) VCF-style: chr10-94392238-T-C.
Other names: c.1495-5T>C (NM_004523.3).
Identifiers: ClinVar variation 1167846 (VCV001167846.11), dbSNP rs775484084, ClinGen allele CA5604217.

ClinVar aggregate classification (germline): Benign/Likely benign. Review status: criteria provided, multiple submitters, no conflicts (2 of 4 stars). 3 submissions from 3 submitters: Benign (1); Likely benign (2). Last evaluated 2025-11-28.

Conditions:
KIF11-related disorder. Also called: KIF11-related condition.

Allele frequency attached by ClinVar (database versions not stated): gnomAD 0.00004; gnomAD exomes 0.00006 and 0.00015; TOPMed 0.00009; ExAC 0.00022.
gnomAD v4.1: 94 of 1,579,664 alleles (0.006%); highest among the groups gnomAD compares: Admixed American, 0.06%; 1 homozygote.

Submissions (3):

Labcorp Genetics (formerly Invitae), Labcorp
Classification: Benign. Last evaluated: 2025-11-28. Review status: criteria provided, single submitter. Criteria: Invitae Variant Classification Sherloc (09022015). Collection method: clinical testing. Allele origin: germline.

PreventionGenetics, part of Exact Sciences
Classification: Likely benign for KIF11-related condition. Last evaluated: 2025-02-14. Review status: criteria provided, single submitter. Criteria: ACMG Guidelines, 2015. Collection method: clinical testing. Allele origin: germline.
Comment: This variant is classified as likely benign based on ACMG/AMP sequence variant interpretation guidelines (Richards et al. 2015 PMID: 25741868, with internal and published modifications).

Blueprint Genetics
Classification: Likely benign. Last evaluated: 2022-10-27. Review status: criteria provided, single submitter. Criteria: ACMG Guidelines, 2015. Collection method: clinical testing. Allele origin: germline.